The following is an entry in ClinVar:

ClinVar aggregate classification (germline): Uncertain significance (1 of 4 stars; one submission).

Conditions:
Pulmonary fibrosis and/or bone marrow failure, Telomere-related, 3. Also called: PULMONARY FIBROSIS AND/OR BONE MARROW FAILURE SYNDROME, TELOMERE-RELATED, 3. Identifiers: Orphanet 2032, MedGen C4225346, MONDO:0014613, OMIM 616373.
Dyskeratosis congenita, autosomal recessive 5 (DKCB5). Identifiers: MedGen C3554656, MONDO:0014076, OMIM 615190.

Submission:

Labcorp Genetics (formerly Invitae), Labcorp
Classification: Uncertain significance for Dyskeratosis congenita, autosomal recessive 5; Pulmonary fibrosis and/or bone marrow failure, Telomere-related, 3. Last evaluated: 2023-09-20. Review status: criteria provided, single submitter. Criteria: Invitae Variant Classification Sherloc (09022015). Collection method: clinical testing. Allele origin: germline.
Comment: In summary, the available evidence is currently insufficient to determine the role of this variant in disease. Therefore, it has been classified as a Variant of Uncertain Significance. Algorithms developed to predict the effect of missense changes on protein structure and function output the following: SIFT: "Not Available"; PolyPhen-2: "Benign"; Align-GVGD: "Not Available". The proline amino acid residue is found in multiple mammalian species, which suggests that this missense change does not adversely affect protein function. This variant has not been reported in the literature in individuals affected with RTEL1-related conditions. This variant is not present in population databases (gnomAD no frequency). This sequence change replaces glutamine, which is neutral and polar, with proline, which is neutral and non-polar, at codon 909 of the RTEL1 protein (p.Gln909Pro).

NM_001283009.2(RTEL1):c.2726A>C (p.Gln909Pro)

Genes: RTEL1 (regulator of telomere elongation helicase 1; plus strand), RTEL1-TNFRSF6B (RTEL1-TNFRSF6B readthrough (NMD candidate); plus strand). Cytogenetic location: 20q13.33.
Variant type: single nucleotide variant.
Coding change: c.2726A>C on transcript NM_001283009.2 (MANE Select); coding-DNA position 2726, A replaced by C.
Protein change: p.Gln909Pro; replaces glutamine 909 with proline.
Molecular consequence: missense variant. On other transcripts: non-coding transcript variant (1).
Genome position (GRCh38, 1-based): chr20:63,692,878, A>C. VCF-style: chr20-63692878-A-C. GRCh37 (hg19) VCF-style: chr20-62324231-A-C.
Other names: c.2057A>C, p.Gln686Pro (NM_001283010.1); c.2726A>C, p.Gln909Pro (NM_016434.4); c.2798A>C, p.Gln933Pro (NM_032957.5); short protein forms Q686P, Q909P, Q933P.
Identifiers: ClinVar variation 2933708 (VCV002933708.3), dbSNP rs368188907, ClinGen allele CA409682918.
Genomic context (GRCh38, chr20:63,692,878, plus strand): 5'-CTGGTGCACAGACGGACAGGGCCAAGCTCTTCATGGTGGCCGTGAAGCAGGAGTTGAGCC[A>C]AGCCAACTTTGCCACCTTCACCCAGGCCCTGCAGGACTACAAGGGTTCCGATGACTTCGC-3'
Protein context (NP_001269938.1, residues 899-919): FMVAVKQELS[Gln909Pro]ANFATFTQAL